The following is an entry in ClinVar:

NM_001103.4(ACTN2):c.166G>A (p.Gly56Ser)

Gene: ACTN2 (actinin alpha 2; plus strand). Cytogenetic location: 1q43.
Variant type: single nucleotide variant.
Coding change: c.166G>A on transcript NM_001103.4 (MANE Select); coding-DNA position 166, G replaced by A.
Protein change: p.Gly56Ser; replaces glycine 56 with serine.
Molecular consequence: missense variant. On other transcripts: 5 prime UTR variant (1).
Genome position (GRCh38, 1-based): chr1:236,717,897, G>A. VCF-style: chr1-236717897-G-A. GRCh37 (hg19) VCF-style: chr1-236881197-G-A.
Other names: c.166G>A, p.Gly56Ser (NM_001278343.2); c.-656G>A (NM_001278344.2); short protein forms G56S.
Identifiers: ClinVar variation 296498 (VCV000296498.39), dbSNP rs758034866, ClinGen allele CA1472726.
Genomic context (GRCh38, chr1:236,717,897, plus strand): 5'-CGTGTTTGGTTTTCTTTGCAGACCTTCACTGCCTGGTGTAACTCCCACCTAAGGAAAGCC[G>A]GCACCCAGATTGAGAACATCGAGGAAGACTTCAGGAATGGCCTTAAGCTCATGCTGCTTT-3'
Protein context (NP_001094.1, residues 46-66): AWCNSHLRKA[Gly56Ser]TQIENIEEDF

ClinVar aggregate classification (germline): Conflicting classifications of pathogenicity. Review status: criteria provided, conflicting classifications (1 of 4 stars). 5 submissions from 5 submitters: Uncertain significance (4); Benign (1). Last evaluated 2026-06-30.

Conditions:
ACTN2-related disorder. Also called: ACTN2-related disorders; ACTN2 related condition.
Cardiovascular phenotype. Identifiers: MedGen CN230736.
Primary familial hypertrophic cardiomyopathy (HCM). Identifiers: Orphanet 99739, MedGen C0949658, MeSH D024741, MONDO:0024573. Inheritance: Various modes of inheritance.
Dilated cardiomyopathy 1AA (CMD1AA). Also called: CARDIOMYOPATHY, DILATED, 1AA, WITH OR WITHOUT LEFT VENTRICULAR NONCOMPACTION; CARDIOMYOPATHY, FAMILIAL HYPERTROPHIC, 23, WITH OR WITHOUT LEFT VENTRICULAR NONCOMPACTION; Cardiomyopathy, dilated, 1AA, with or without LVNC. Identifiers: Orphanet 154, MedGen C2677338, MONDO:0012808, OMIM 612158.

Allele frequency attached by ClinVar (database versions not stated): TOPMed below 0.00001; gnomAD 0.00001; gnomAD exomes 0.00005; ExAC 0.00007.
gnomAD v4.1: 27 of 1,613,958 alleles (0.0017%); highest among the groups gnomAD compares: South Asian, 0.022%; no homozygotes.

Submissions (5):

PreventionGenetics, part of Exact Sciences
Classification: Uncertain significance for ACTN2-related condition. Last evaluated: 2026-06-30. Review status: criteria provided, single submitter. Criteria: ACMG Guidelines, 2015. Collection method: clinical testing. Allele origin: germline.
Comment: The ACTN2 c.166G>A variant is predicted to result in the amino acid substitution p.Gly56Ser. To our knowledge, this variant has not been reported in the literature. This variant is reported in 0.026% of alleles in individuals of South Asian descent in gnomAD. Although we suspect that this variant may be benign, at this time, the clinical significance of this variant is uncertain due to the absence of conclusive functional and genetic evidence.

Labcorp Genetics (formerly Invitae), Labcorp
Classification: Benign for Primary familial hypertrophic cardiomyopathy; Dilated cardiomyopathy 1AA. Last evaluated: 2025-11-21. Review status: criteria provided, single submitter. Criteria: Invitae Variant Classification Sherloc (09022015). Collection method: clinical testing. Allele origin: germline.

CeGaT Center for Human Genetics Tuebingen
Classification: Uncertain significance. Last evaluated: 2023-07-01. Review status: criteria provided, single submitter. Criteria: CeGaT Center For Human Genetics Tuebingen Variant Classification Criteria Version 2. Collection method: clinical testing. Allele origin: germline. Affected: yes. Observed: 1 variant allele.

Ambry Genetics
Classification: Uncertain significance for Cardiovascular phenotype. Last evaluated: 2021-04-05. Review status: criteria provided, single submitter. Criteria: Ambry Variant Classification Scheme 2023. Collection method: clinical testing. Allele origin: germline.
Comment: The p.G56S variant (also known as c.166G>A), located in coding exon 2 of the ACTN2 gene, results from a G to A substitution at nucleotide position 166. The glycine at codon 56 is replaced by serine, an amino acid with similar properties. This variant was detected in a cardiomyopathy genetic testing cohort; however, clinical details were limited, and additional cardiac variants were detected (van Lint FHM et al. Neth Heart J, 2019 Jun;27:304-309). This amino acid position is highly conserved in available vertebrate species. In addition, the in silico prediction for this alteration is inconclusive. Since supporting evidence is limited at this time, the clinical significance of this alteration remains unclear.

Illumina Laboratory Services, Illumina
Classification: Uncertain significance for Dilated cardiomyopathy 1AA. Last evaluated: 2018-01-12. Review status: criteria provided, single submitter. Criteria: ICSL Variant Classification Criteria 13 December 2019. Collection method: clinical testing. Allele origin: germline.